The following is an entry in ClinVar:

ClinVar aggregate classification (germline): Conflicting classifications of pathogenicity. Review status: criteria provided, conflicting classifications (1 of 4 stars). 3 submissions from 3 submitters: Uncertain significance (1); Likely benign (2). Last evaluated 2025-12-06.

Allele frequency attached by ClinVar (database versions not stated): gnomAD exomes below 0.00001.
gnomAD v4.1: 3 of 1,613,934 alleles (0.00019%); highest among the groups gnomAD compares: Middle Eastern, 0.033%; no homozygotes.

Submissions (3):

Labcorp Genetics (formerly Invitae), Labcorp
Classification: Likely benign. Last evaluated: 2025-12-06. Review status: criteria provided, single submitter. Criteria: Invitae Variant Classification Sherloc (09022015). Collection method: clinical testing. Allele origin: germline.

CeGaT Center for Human Genetics Tuebingen
Classification: Uncertain significance. Last evaluated: 2025-05-01. Review status: criteria provided, single submitter. Criteria: CeGaT Center For Human Genetics Tuebingen Variant Classification Criteria Version 2. Collection method: clinical testing. Allele origin: germline. Affected: yes. Observed: 1 variant allele.
Comment: USH2A: PM2:Supporting, PM3:Supporting, BP4, BP7

Blueprint Genetics
Classification: Likely benign. Last evaluated: 2022-09-23. Review status: criteria provided, single submitter. Criteria: ACMG Guidelines, 2015. Collection method: clinical testing. Allele origin: germline.

NM_206933.4(USH2A):c.6687T>C (p.Ser2229=)

Gene: USH2A (usherin; minus strand). Cytogenetic location: 1q41.
Variant type: single nucleotide variant.
Coding change: c.6687T>C on transcript NM_206933.4 (MANE Select); coding-DNA position 6687, T replaced by C.
Protein change: p.Ser2229=; no amino-acid change (serine 2229 retained).
Molecular consequence: synonymous variant.
Genome position (GRCh38, 1-based): chr1:215,993,138, A>G on the plus strand (T>C on the coding strand, the complement: USH2A is on the minus strand). VCF-style: chr1-215993138-A-G. GRCh37 (hg19) VCF-style: chr1-216166480-A-G.
Identifiers: ClinVar variation 1081463 (VCV001081463.20), dbSNP rs926930916, ClinGen allele CA37472987.